The following is an entry in ClinVar:

NM_007254.4(PNKP):c.936+6G>A

Gene: PNKP (polynucleotide kinase 3'-phosphatase; minus strand). Cytogenetic location: 19q13.33.
Variant type: single nucleotide variant.
Coding change: c.936+6G>A on transcript NM_007254.4 (MANE Select); 6 bases into the intron after coding-DNA position 936, G replaced by A.
Molecular consequence: intron variant.
Genome position (GRCh38, 1-based): chr19:49,862,532, C>T on the plus strand (G>A on the coding strand, the complement: PNKP is on the minus strand). VCF-style: chr19-49862532-C-T. GRCh37 (hg19) VCF-style: chr19-50365789-C-T.
Identifiers: ClinVar variation 392070 (VCV000392070.46), dbSNP rs751664776, ClinGen allele CA9586698.

ClinVar aggregate classification (germline): Conflicting classifications of pathogenicity. Review status: criteria provided, conflicting classifications (1 of 4 stars). 3 submissions from 3 submitters: Uncertain significance (1); Likely benign (2). Last evaluated 2023-08-24.

Conditions:
Developmental and epileptic encephalopathy, 12 (DEE12). Identifiers: MedGen C3150988, MONDO:0013389, OMIM 613722.

Allele frequency attached by ClinVar (database versions not stated): ExAC 0.00001; gnomAD exomes 0.00001 and 0.00002; TOPMed 0.00001; gnomAD 0.00002.
gnomAD v4.1: 16 of 1,607,526 alleles (0.001%); highest among the groups gnomAD compares: Non-Finnish European, 0.001%; no homozygotes.

Submissions (3):

Labcorp Genetics (formerly Invitae), Labcorp
Classification: Uncertain significance for Developmental and epileptic encephalopathy, 12. Last evaluated: 2023-08-24. Review status: criteria provided, single submitter. Criteria: Invitae Variant Classification Sherloc (09022015). Collection method: clinical testing. Allele origin: germline.
Comment: In summary, the available evidence is currently insufficient to determine the role of this variant in disease. Therefore, it has been classified as a Variant of Uncertain Significance. Variants that disrupt the consensus splice site are a relatively common cause of aberrant splicing (PMID: 17576681, 9536098). Algorithms developed to predict the effect of sequence changes on RNA splicing suggest that this variant is not likely to affect RNA splicing. ClinVar contains an entry for this variant (Variation ID: 392070). This variant has not been reported in the literature in individuals affected with PNKP-related conditions. The frequency data for this variant in the population databases is considered unreliable, as metrics indicate poor data quality at this position in the gnomAD database. This sequence change falls in intron 10 of the PNKP gene. It does not directly change the encoded amino acid sequence of the PNKP protein. It affects a nucleotide within the consensus splice site.

CeGaT Center for Human Genetics Tuebingen
Classification: Likely benign. Last evaluated: 2018-12-01. Review status: criteria provided, single submitter. Criteria: CeGaT Center For Human Genetics Tuebingen Variant Classification Criteria Version 2. Collection method: clinical testing. Allele origin: germline. Affected: yes. Observed: 1 variant allele.

GeneDx
Classification: Likely benign. Last evaluated: 2016-12-21. Review status: criteria provided, single submitter. Criteria: GeneDx Variant Classification (06012015). Collection method: clinical testing. Allele origin: germline. Affected: yes.
Comment: This variant is considered likely benign or benign based on one or more of the following criteria: it is a conservative change, it occurs at a poorly conserved position in the protein, it is predicted to be benign by multiple in silico algorithms, and/or has population frequency not consistent with disease.

Literature cited by the submitters: PubMed 17576681 (cited by Labcorp Genetics (formerly Invitae), Labcorp); PubMed 9536098 (cited by Labcorp Genetics (formerly Invitae), Labcorp).